The following is an entry in ClinVar:

NM_006231.4(POLE):c.2144A>G (p.Gln715Arg)

Gene: POLE (DNA polymerase epsilon, catalytic subunit; minus strand). Cytogenetic location: 12q24.33.
Variant type: single nucleotide variant.
Coding change: c.2144A>G on transcript NM_006231.4 (MANE Select); coding-DNA position 2144, A replaced by G.
Protein change: p.Gln715Arg; replaces glutamine 715 with arginine.
Molecular consequence: missense variant.
Genome position (GRCh38, 1-based): chr12:132,668,385, T>C on the plus strand (A>G on the coding strand, the complement: POLE is on the minus strand). VCF-style: chr12-132668385-T-C. GRCh37 (hg19) VCF-style: chr12-133244971-T-C.
Other names: c.2144A>G (NM_006231.2); short protein forms Q715R.
Identifiers: ClinVar variation 942260 (VCV000942260.10), dbSNP rs2042843215, ClinGen allele CA387353677.

ClinVar aggregate classification (germline): Uncertain significance. Review status: criteria provided, multiple submitters, no conflicts (2 of 4 stars). 2 submissions from 2 submitters: Uncertain significance (2). Last evaluated 2024-04-19.

Conditions:
Hereditary cancer-predisposing syndrome. Also called: Hereditary neoplastic syndrome; Neoplastic Syndromes, Hereditary; Tumor predisposition; Hereditary Cancer Syndrome. Identifiers: Orphanet 140162, MedGen C0027672, MeSH D009386, MONDO:0015356.

Submissions (2):

Ambry Genetics
Classification: Uncertain significance for Hereditary cancer-predisposing syndrome. Last evaluated: 2024-04-19. Review status: criteria provided, single submitter. Criteria: Ambry Variant Classification Scheme 2023. Collection method: clinical testing. Allele origin: germline.
Comment: The p.Q715R variant (also known as c.2144A>G), located in coding exon 19 of the POLE gene, results from an A to G substitution at nucleotide position 2144. The glutamine at codon 715 is replaced by arginine, an amino acid with highly similar properties. This amino acid position is conserved. In addition, the in silico prediction for this alteration is inconclusive. Based on the available evidence, the clinical significance of this variant remains unclear.

Labcorp Genetics (formerly Invitae), Labcorp
Classification: Uncertain significance. Last evaluated: 2019-09-10. Review status: criteria provided, single submitter. Criteria: Invitae Variant Classification Sherloc (09022015). Collection method: clinical testing. Allele origin: germline.
Comment: In summary, the available evidence is currently insufficient to determine the role of this variant in disease. Therefore, it has been classified as a Variant of Uncertain Significance. Algorithms developed to predict the effect of missense changes on protein structure and function are either unavailable or do not agree on the potential impact of this missense change (SIFT: "Tolerated"; PolyPhen-2: "Possibly Damaging"; Align-GVGD: "Class C0"). This variant has not been reported in the literature in individuals with POLE-related conditions. This variant is not present in population databases (ExAC no frequency). This sequence change replaces glutamine with arginine at codon 715 of the POLE protein (p.Gln715Arg). The glutamine residue is highly conserved and there is a small physicochemical difference between glutamine and arginine.